The following is an entry in ClinVar:

NM_005076.5(CNTN2):c.2155G>A (p.Gly719Arg)

Gene: CNTN2 (contactin 2; plus strand). Cytogenetic location: 1q32.1.
Variant type: single nucleotide variant.
Coding change: c.2155G>A on transcript NM_005076.5 (MANE Select); coding-DNA position 2155, G replaced by A.
Protein change: p.Gly719Arg; replaces glycine 719 with arginine.
Molecular consequence: missense variant. On other transcripts: non-coding transcript variant (1).
Genome position (GRCh38, 1-based): chr1:205,069,520, G>A. VCF-style: chr1-205069520-G-A. GRCh37 (hg19) VCF-style: chr1-205038648-G-A.
Other names: c.2155G>A (NM_005076.4); c.2155G>A, p.Gly719Arg (NM_001346083.2); short protein forms G719R.
Identifiers: ClinVar variation 474475 (VCV000474475.16), dbSNP rs144056952, ClinGen allele CA1351615.

ClinVar aggregate classification (germline): Likely benign. Review status: criteria provided, multiple submitters, no conflicts (2 of 4 stars). 4 submissions from 4 submitters: Likely benign (3). 1 of the submissions does not count toward it. Last evaluated 2025-12-26.

Conditions:
Epilepsy, familial adult myoclonic, 5 (EPEO5). Also called: CORTICAL MYOCLONIC TREMOR WITH EPILEPSY, FAMILIAL, 5. Identifiers: Orphanet 86814, MedGen C3809374, MONDO:0014167, OMIM 615400.
CNTN2-related disorder. Also called: CNTN2-related condition.

Allele frequency attached by ClinVar (database versions not stated): 1000 Genomes Project 30x 0.00016; 1000 Genomes Project 0.00020; gnomAD 0.00082; ExAC 0.00088; ESP Exome Variant Server 0.00092; gnomAD exomes 0.00096 and 0.00116; TOPMed 0.00100.
gnomAD v4.1: 1,836 of 1,613,984 alleles (0.11%); highest among the groups gnomAD compares: Non-Finnish European, 0.13%; 3 homozygotes.

Submissions (4):

Labcorp Genetics (formerly Invitae), Labcorp
Classification: Likely benign for Epilepsy, familial adult myoclonic, 5. Last evaluated: 2025-12-26. Review status: criteria provided, single submitter. Criteria: Invitae Variant Classification Sherloc (09022015). Collection method: clinical testing. Allele origin: germline.

Women's Health and Genetics/Laboratory Corporation of America, LabCorp
Classification: Likely benign. Last evaluated: 2024-11-01. Review status: criteria provided, single submitter. Criteria: LabCorp Variant Classification Summary - May 2015. Collection method: clinical testing. Allele origin: germline.
Comment: Variant summary: CNTN2 c.2155G>A (p.Gly719Arg) results in a non-conservative amino acid change in the encoded protein sequence. Four of five in-silico tools predict a damaging effect of the variant on protein function. The variant allele was found at a frequency of 0.0011 in 1613984 control chromosomes, predominantly at a frequency of 0.0052 within the Ashkenazi Jewish subpopulation in the gnomAD database, including 1 homozygotes. The observed variant frequency within Ashkenazi Jewish control individuals in the gnomAD database exceeds the estimated maximal expected allele frequency for a pathogenic variant in CNTN2 causing Epilepsy, Familial Adult Myoclonic, 5 phenotype. To our knowledge, no occurrence of c.2155G>A in individuals affected with Epilepsy, Familial Adult Myoclonic, 5 and no experimental evidence demonstrating its impact on protein function have been reported. ClinVar contains an entry for this variant (Variation ID: 474475). Based on the evidence outlined above, the variant was classified as likely benign.

Breakthrough Genomics
Classification: Likely benign. Review status: criteria provided, single submitter. Criteria: ACMG Guidelines, 2015. Collection method: not provided. Allele origin: germline. Inheritance: Autosomal recessive inheritance. Affected: yes.

PreventionGenetics, part of Exact Sciences
Classification: Likely benign for CNTN2-related condition. Last evaluated: 2020-08-04. Review status: no assertion criteria provided. Collection method: clinical testing. Allele origin: germline. Not counted in ClinVar's aggregate classification.
Comment: This variant is classified as likely benign based on ACMG/AMP sequence variant interpretation guidelines (Richards et al. 2015 PMID: 25741868, with internal and published modifications).